The following is an entry in ClinVar:

NC_000008.10:g.(?_6264189)_(6500570_?)del

Genes: ANGPT2 (angiopoietin 2; minus strand), MCPH1 (microcephalin 1; plus strand). Cytogenetic location: 8p23.1.
Variant type: Deletion.
Identifiers: ClinVar variation 2426840 (VCV002426840.4).

ClinVar aggregate classification (germline): Pathogenic (1 of 4 stars; one submission).

Submission:

Labcorp Genetics (formerly Invitae), Labcorp
Classification: Pathogenic. Last evaluated: 2023-10-20. Review status: criteria provided, single submitter. Criteria: Invitae Variant Classification Sherloc (09022015). Collection method: clinical testing. Allele origin: germline.
Comment: A gross deletion of the genomic region encompassing the full coding sequence of the MCPH1 gene has been identified. Loss-of-function variants in MCPH1 are known to be pathogenic (PMID: 20978018). The boundaries of this event are unknown as they extend beyond the assayed region for this gene and therefore may encompass additional genes. This variant has not been reported in the literature in individuals affected with MCPH1-related conditions. For these reasons, this variant has been classified as Pathogenic.

Literature cited by the submitters: PubMed 20978018.